The following is an entry in ClinVar:

ClinVar aggregate classification (germline): Uncertain significance (1 of 4 stars; one submission).

Conditions:
Kleefstra syndrome 1 (KLEFS1). Identifiers: Orphanet 261494, MedGen C0795833, MONDO:0027407, OMIM 610253.

Submission:

Labcorp Genetics (formerly Invitae), Labcorp
Classification: Uncertain significance for Kleefstra syndrome 1. Last evaluated: 2024-07-29. Review status: criteria provided, single submitter. Criteria: Invitae Variant Classification Sherloc (09022015). Collection method: clinical testing. Allele origin: germline.
Comment: This sequence change replaces phenylalanine, which is neutral and non-polar, with leucine, which is neutral and non-polar, at codon 426 of the EHMT1 protein (p.Phe426Leu). This variant is not present in population databases (gnomAD no frequency). This variant has not been reported in the literature in individuals affected with EHMT1-related conditions. ClinVar contains an entry for this variant (Variation ID: 2014864). An algorithm developed to predict the effect of missense changes on protein structure and function outputs the following: PolyPhen-2: "Benign". The leucine amino acid residue is found in multiple mammalian species, which suggests that this missense change does not adversely affect protein function. In summary, the available evidence is currently insufficient to determine the role of this variant in disease. Therefore, it has been classified as a Variant of Uncertain Significance.

NM_024757.5(EHMT1):c.1276T>C (p.Phe426Leu)

Gene: EHMT1 (euchromatic histone lysine methyltransferase 1; plus strand). Cytogenetic location: 9q34.3.
Variant type: single nucleotide variant.
Coding change: c.1276T>C on transcript NM_024757.5 (MANE Select); coding-DNA position 1276, T replaced by C.
Protein change: p.Phe426Leu; replaces phenylalanine 426 with leucine.
Molecular consequence: missense variant.
Genome position (GRCh38, 1-based): chr9:137,754,198, T>C. VCF-style: chr9-137754198-T-C. GRCh37 (hg19) VCF-style: chr9-140648650-T-C.
Other names: c.1276T>C, p.Phe426Leu (NM_001145527.2, NM_001354611.2); c.1183T>C, p.Phe395Leu (NM_001354259.2, NM_001354612.2); c.1255T>C, p.Phe419Leu (NM_001354263.2); short protein forms F395L, F419L, F426L.
Identifiers: ClinVar variation 2014864 (VCV002014864.4), dbSNP rs2541825905, ClinGen allele CA375762927.